The following is an entry in ClinVar:

NM_001349798.2(FBXW7):c.78C>A (p.Ser26Arg)

Gene: FBXW7 (F-box and WD repeat domain containing 7; minus strand). Cytogenetic location: 4q31.3.
Variant type: single nucleotide variant.
Coding change: c.78C>A on transcript NM_001349798.2 (MANE Select); coding-DNA position 78, C replaced by A.
Protein change: p.Ser26Arg; replaces serine 26 with arginine.
Molecular consequence: missense variant.
Genome position (GRCh38, 1-based): chr4:152,411,726, G>T on the plus strand (C>A on the coding strand, the complement: FBXW7 is on the minus strand). VCF-style: chr4-152411726-G-T. GRCh37 (hg19) VCF-style: chr4-153332878-G-T.
Other names: c.78C>A, p.Ser26Arg (NM_001257069.1, NM_033632.3); short protein forms S26R.
Identifiers: ClinVar variation 5038404 (VCV005038404.1).

ClinVar aggregate classification (germline): Uncertain significance (1 of 4 stars; one submission).

Conditions:
Developmental delay, hypotonia, and impaired language (DEDHIL). Identifiers: MedGen C5774202, MONDO:0859280, OMIM 620012.

gnomAD v4.1: 4 of 1,613,308 alleles (0.00025%); highest among the groups gnomAD compares: African/African-American, 0.0053%; no homozygotes.

Submission:

St. Jude Molecular Pathology, St. Jude Children's Research Hospital
Classification: Uncertain significance for Developmental delay, hypotonia, and impaired language. Last evaluated: 2026-10-01. Review status: criteria provided, single submitter. Criteria: St. Jude Assertion Criteria 2020. Collection method: clinical testing. Allele origin: germline.
Comment: The FBXW7 c.78C>A p.(Ser26Arg) missense change is absent in gnomAD v2.1.1 (.). The in silico tool REVEL predicts a benign effect on protein function, but to our knowledge this prediction has not been confirmed by functional studies. To our knowledge, this variant has not been reported in the literature in indi viduals with FBXW7-associated conditions. In summary, the evidence currently available is insufficient to determine the clinical significance of this variant. It has therefore been classified as of uncertain significance.